The following is an entry in ClinVar:

NM_000212.3(ITGB3):c.2T>C (p.Met1Thr)

Genes: ITGB3 (integrin subunit beta 3; plus strand), LOC130061041 (ATAC-STARR-seq lymphoblastoid silent region 8624; plus strand). Cytogenetic location: 17q21.32.
Variant type: single nucleotide variant.
Coding change: c.2T>C on transcript NM_000212.3 (MANE Select); coding-DNA position 2, T replaced by C.
Protein change: p.Met1Thr; changes the start codon (methionine 1).
Molecular consequence: missense variant, initiator codon variant.
Genome position (GRCh38, 1-based): chr17:47,253,863, T>C. VCF-style: chr17-47253863-T-C. GRCh37 (hg19) VCF-style: chr17-45331229-T-C.
Other names: NM_000212.3:c.2T>C; short protein forms M1T.
Identifiers: ClinVar variation 2498369 (VCV002498369.4), dbSNP rs1239823207, ClinGen allele CA400028186.

ClinVar aggregate classification (germline): Uncertain significance (3 of 4 stars; one submission).

Conditions:
Glanzmann thrombasthenia. Also called: BLEEDING DISORDER, PLATELET-TYPE, 2; THROMBASTHENIA OF GLANZMANN AND NAEGELI; Thrombasthenia; PLATELET GLYCOPROTEIN IIb-IIIa DEFICIENCY; Glanzmann's thrombasthenia. Identifiers: Orphanet 849, MedGen C0040015, MONDO:0100326.

Allele frequency attached by ClinVar (database versions not stated): TOPMed below 0.00001; gnomAD 0.00001.

Submission:

ClinGen Platelet Disorders Variant Curation Expert Panel, ClinGen
Classification: Uncertain significance for Glanzmann thrombasthenia. Last evaluated: 2025-11-06. Review status: reviewed by expert panel. Criteria: ClinGen Platelet ACMG Specifications v2-1. Collection method: curation. Allele origin: germline. Inheritance: Autosomal recessive inheritance.
Comment: The NM_000212.3(ITGB3):c.2T>C (p.Met1Thr) may cause a truncated or absent protein by altering the start codon of the coding sequence and is predicted to lead to the omission of a critical region of the protein. At least one variant (c.31T>C; p.Trp11Arg) has been classified Pathogenic upstream of the next potential in-frame start codon at residue 48 (PVS1_Moderate). Patient 1, of PMID: 31029159, is reported to have a clinical diagnosis of GT and is homozygous for this variant (PM3_supporting). The highest population minor allele frequency in gnomAD v4.1 is 0.00001576 (1/63468 alleles) in the African/African American genetic ancestry group, which is lower than the ClinGen PD VCEP threshold (<0.0001; PM2_Supporting). In summary, this variant meets the criteria to be classified as uncertain significance for autosomal recessive Glanzmann Thrombasthenia based on the ACMG/AMP criteria applied, as specified by the ClinGen PD VCEP: PVS1_moderate, PM2_supporting, PM3_supporting (VCEP specifications version 2.1).